The following is an entry in ClinVar:

ClinVar aggregate classification (germline): Uncertain significance (1 of 4 stars; one submission).

Submission:

GeneDx
Classification: Uncertain significance. Last evaluated: 2024-02-21. Review status: criteria provided, single submitter. Criteria: GeneDx Variant Classification Process June 2021. Collection method: clinical testing. Allele origin: germline. Affected: yes.
Comment: Not observed at significant frequency in large population cohorts (gnomAD); In silico analysis supports that this missense variant has a deleterious effect on protein structure/function; Has not been previously published as pathogenic or benign to our knowledge

NM_004522.3(KIF5C):c.676G>T (p.Gly226Trp)

Gene: KIF5C (kinesin family member 5C; plus strand). Cytogenetic location: 2q23.1.
Variant type: single nucleotide variant.
Coding change: c.676G>T on transcript NM_004522.3 (MANE Select); coding-DNA position 676, G replaced by T.
Protein change: p.Gly226Trp; replaces glycine 226 with tryptophan.
Molecular consequence: missense variant.
Genome position (GRCh38, 1-based): chr2:148,946,985, G>T. VCF-style: chr2-148946985-G-T. GRCh37 (hg19) VCF-style: chr2-149803499-G-T.
Other names: short protein forms G226W.
Identifiers: ClinVar variation 3369604 (VCV003369604.1).